The following is an entry in ClinVar:

ClinVar aggregate classification (germline): Uncertain significance (1 of 4 stars; one submission).

Allele frequency attached by ClinVar (database versions not stated): gnomAD exomes 0.00003 and 0.00009; gnomAD 0.00005; ExAC 0.00008; TOPMed 0.00017.

Submission:

Labcorp Genetics (formerly Invitae), Labcorp
Classification: Uncertain significance. Last evaluated: 2022-11-01. Review status: criteria provided, single submitter. Criteria: Invitae Variant Classification Sherloc (09022015). Collection method: clinical testing. Allele origin: germline.
Comment: This sequence change replaces arginine, which is basic and polar, with tryptophan, which is neutral and slightly polar, at codon 280 of the TRAF3IP1 protein (p.Arg280Trp). This variant is present in population databases (rs761035757, gnomAD 0.03%). This variant has not been reported in the literature in individuals affected with TRAF3IP1-related conditions. ClinVar contains an entry for this variant (Variation ID: 968225). Advanced modeling of protein sequence and biophysical properties (such as structural, functional, and spatial information, amino acid conservation, physicochemical variation, residue mobility, and thermodynamic stability) performed at Invitae indicates that this missense variant is expected to disrupt TRAF3IP1 protein function. In summary, the available evidence is currently insufficient to determine the role of this variant in disease. Therefore, it has been classified as a Variant of Uncertain Significance.

NM_015650.4(TRAF3IP1):c.838C>T (p.Arg280Trp)

Gene: TRAF3IP1 (TRAF3 interacting protein 1; plus strand). Cytogenetic location: 2q37.3.
Variant type: single nucleotide variant.
Coding change: c.838C>T on transcript NM_015650.4 (MANE Select); coding-DNA position 838, C replaced by T.
Protein change: p.Arg280Trp; replaces arginine 280 with tryptophan.
Molecular consequence: missense variant.
Genome position (GRCh38, 1-based): chr2:238,329,265, C>T. VCF-style: chr2-238329265-C-T. GRCh37 (hg19) VCF-style: chr2-239237906-C-T.
Other names: c.838C>T, p.Arg280Trp (NM_001139490.1); short protein forms R280W.
Identifiers: ClinVar variation 968225 (VCV000968225.4), dbSNP rs761035757, ClinGen allele CA2198155.